The following is an entry in ClinVar:

NM_007294.4(BRCA1):c.2620A>C (p.Asn874His)

Gene: BRCA1 (BRCA1 DNA repair associated; minus strand). Cytogenetic location: 17q21.31.
Variant type: single nucleotide variant.
Coding change: c.2620A>C on transcript NM_007294.4 (MANE Select); coding-DNA position 2620, A replaced by C.
Protein change: p.Asn874His; replaces asparagine 874 with histidine.
Molecular consequence: missense variant. On other transcripts: intron variant (137).
Genome position (GRCh38, 1-based): chr17:43,092,911, T>G on the plus strand (A>C on the coding strand, the complement: BRCA1 is on the minus strand). VCF-style: chr17-43092911-T-G. GRCh37 (hg19) VCF-style: chr17-41244928-T-G.
Other names: c.2617A>C, p.Asn873His (NM_001407636.1, NM_001407637.1, NM_001407861.1 and 22 more transcripts); c.2494A>C, p.Asn832His (NM_001407649.1, NM_001407670.1, NM_001407671.1 and 11 more transcripts); c.2620A>C, p.Asn874His (NM_001407652.1, NM_007300.4, NM_001407581.1 and 30 more transcripts); c.2542A>C, p.Asn848His (NM_001407653.1, NM_001407654.1, NM_001407655.1 and 4 more transcripts); c.2539A>C, p.Asn847His (NM_001407659.1, NM_001407660.1, NM_001407661.1 and 1 more transcripts); c.2497A>C, p.Asn833His (NM_001407674.1, NM_001407675.1, NM_001407676.1 and 19 more transcripts); c.2479A>C, p.Asn827His (NM_001407692.1, NM_001407694.1, NM_001407695.1 and 29 more transcripts); c.2476A>C, p.Asn826His (NM_001407740.1, NM_001407741.1, NM_001407742.1 and 20 more transcripts); and 41 more; short protein forms N874H, N827H, N578H, N762H, N785H, N786H, N806H, N873H.
Identifiers: ClinVar variation 422565 (VCV000422565.30), dbSNP rs1064795862, ClinGen allele CA10596757.

ClinVar aggregate classification (germline): Conflicting classifications of pathogenicity. Review status: criteria provided, conflicting classifications (1 of 4 stars). 9 submissions from 9 submitters: Uncertain significance (8); Likely benign (1). Last evaluated 2025-12-29.

Conditions:
Hereditary breast ovarian cancer syndrome. Also called: Hereditary breast and ovarian cancer syndrome (HBOC); BRCA1- and BRCA2-Associated Hereditary Breast and Ovarian Cancer; Hereditary breast and/or ovarian cancer syndrome; Hereditary breast and ovarian cancer syndrome; Hereditary breast and ovarian cancer; Breast and ovarian cancer. Identifiers: Orphanet 145, MedGen C0677776, MeSH D061325, MONDO:0003582. Disease mechanism: loss of function.
Hereditary cancer-predisposing syndrome. Also called: Neoplastic Syndromes, Hereditary; Hereditary neoplastic syndrome; Tumor predisposition; Hereditary Cancer Syndrome. Identifiers: Orphanet 140162, MedGen C0027672, MeSH D009386, MONDO:0015356.
Breast-ovarian cancer, familial, susceptibility to, 1 (BROVCA1). Also called: BRCA1 Hereditary Breast and Ovarian Cancer; OVARIAN CANCER, SUSCEPTIBILITY TO. Identifiers: Orphanet 145, MedGen C2676676, MONDO:0011450, OMIM 604370. Disease mechanism: loss of function.

Allele frequency attached by ClinVar (database versions not stated): gnomAD exomes below 0.00001.
gnomAD v4.1: 3 of 1,613,924 alleles (0.00019%); highest among the groups gnomAD compares: Non-Finnish European, 0.00025%; no homozygotes.

Submissions (9):

Labcorp Genetics (formerly Invitae), Labcorp
Classification: Uncertain significance for Hereditary breast ovarian cancer syndrome. Last evaluated: 2025-12-29. Review status: criteria provided, single submitter. Criteria: Invitae Variant Classification Sherloc (09022015). Collection method: clinical testing. Allele origin: germline.
Comment: This sequence change replaces asparagine, which is neutral and polar, with histidine, which is basic and polar, at codon 874 of the BRCA1 protein (p.Asn874His). This variant is present in population databases (no rsID available, gnomAD 0.0009%). This missense change has been observed in individual(s) with breast and/or ovarian cancer (PMID: 18273839). ClinVar contains an entry for this variant (Variation ID: 422565). Invitae Evidence Modeling of protein sequence and biophysical properties (such as structural, functional, and spatial information, amino acid conservation, physicochemical variation, residue mobility, and thermodynamic stability) indicates that this missense variant is not expected to disrupt BRCA1 protein function with a negative predictive value of 80%. In summary, the available evidence is currently insufficient to determine the role of this variant in disease. Therefore, it has been classified as a Variant of Uncertain Significance.

Women's Health and Genetics/Laboratory Corporation of America, LabCorp
Classification: Uncertain significance. Last evaluated: 2024-09-24. Review status: criteria provided, single submitter. Criteria: LabCorp Variant Classification Summary - May 2015. Collection method: clinical testing. Allele origin: germline.
Comment: Variant summary: BRCA1 c.2620A>C (p.Asn874His) results in a conservative amino acid change in the encoded protein sequence. Three of five in-silico tools predict a benign effect of the variant on protein function. The variant allele was found at a frequency of 4e-06 in 251142 control chromosomes. The available data on variant occurrences in the general population are insufficient to allow any conclusion about variant significance. c.2620A>C has been reported in the literature in individuals affected with Hereditary Breast And Ovarian Cancer Syndrome (Anczukow_2008). These report(s) do not provide unequivocal conclusions about association of the variant with Hereditary Breast And Ovarian Cancer Syndrome. To our knowledge, no experimental evidence demonstrating an impact on protein function has been reported. The following publication have been ascertained in the context of this evaluation (PMID: 18273839). ClinVar contains an entry for this variant (Variation ID: 422565). Based on the evidence outlined above, the variant was classified as uncertain significance.

Ambry Genetics
Classification: Uncertain significance for Hereditary cancer-predisposing syndrome. Last evaluated: 2023-11-08. Review status: criteria provided, single submitter. Criteria: Ambry Variant Classification Scheme 2023. Collection method: clinical testing. Allele origin: germline.
Comment: The p.N874H variant (also known as c.2620A>C), located in coding exon 9 of the BRCA1 gene, results from an A to C substitution at nucleotide position 2620. The asparagine at codon 874 is replaced by histidine, an amino acid with similar properties. This amino acid position is not well conserved in available vertebrate species. In addition, this alteration is predicted to be tolerated by in silico analysis. Since supporting evidence is limited at this time, the clinical significance of this alteration remains unclear.

University of Washington Department of Laboratory Medicine, University of Washington
Classification: Likely benign for Hereditary cancer-predisposing syndrome. Last evaluated: 2023-03-23. Review status: criteria provided, single submitter. Criteria: Dines et al. (Genet Med. 2020). Collection method: curation. Allele origin: germline.
Comment: Missense variant in a coldspot region where missense variants are very unlikely to be pathogenic (PMID:31911673).

BRCA1 coldspot (exon 11 using historical exon numbering). Reclassification based on statistical prior probability

All of Us Research Program, National Institutes of Health
Classification: Uncertain significance for Breast-ovarian cancer, familial, susceptibility to, 1. Last evaluated: 2023-03-09. Review status: criteria provided, single submitter. Criteria: ACMG Guidelines, 2015. Collection method: clinical testing. Allele origin: germline. Inheritance: Autosomal dominant inheritance. Observed: 1 variant allele, 1 heterozygote.
Comment: This missense variant replaces asparagine with histidine at codon 874 of the BRCA1 protein. Computational prediction suggests that this variant may not impact protein structure and function (internally defined REVEL score threshold <= 0.5, PMID: 27666373). To our knowledge, functional studies have not been reported for this variant. This variant has been reported in a suspected hereditary breast and ovarian cancer family (PMID: 18273839). This variant has been identified in 1/251142 chromosomes in the general population by the Genome Aggregation Database (gnomAD). The available evidence is insufficient to determine the role of this variant in disease conclusively. Therefore, this variant is classified as a Variant of Uncertain Significance.

This study involves interpretation of variants in research participants for the purpose of population health screening. Participant phenotype was not available at the time of variant classification. Additional details can be found in publication PMID: 35346344, PMCID: PMC8962531

Color Diagnostics, LLC DBA Color Health
Classification: Uncertain significance for Hereditary cancer-predisposing syndrome. Last evaluated: 2023-02-01. Review status: criteria provided, single submitter. Criteria: ACMG Guidelines, 2015. Collection method: clinical testing. Allele origin: germline.
Comment: This missense variant replaces asparagine with histidine at codon 874 of the BRCA1 protein. Computational prediction suggests that this variant may not impact protein structure and function (internally defined REVEL score threshold <= 0.5, PMID: 27666373). To our knowledge, functional studies have not been reported for this variant. This variant has been reported in a suspected hereditary breast and ovarian cancer family (PMID: 18273839). This variant has been identified in 1/251142 chromosomes in the general population by the Genome Aggregation Database (gnomAD). The available evidence is insufficient to determine the role of this variant in disease conclusively. Therefore, this variant is classified as a Variant of Uncertain Significance.

Quest Diagnostics Nichols Institute San Juan Capistrano
Classification: Uncertain significance. Last evaluated: 2022-09-15. Review status: criteria provided, single submitter. Criteria: Quest Diagnostics criteria. Collection method: clinical testing. Allele origin: unknown.
Comment: The frequency of this variant in the general population, 0.000004 (1/251142 chromosomes), is uninformative in assessment of its pathogenicity. In the published literature, the variant has been predicted to have no impact on splicing (PMIDs: 26913838 (2016), 31853058 (2020), 32741062 (2020), and 33087888 (2021)). Analysis of this variant using bioinformatics tools for the prediction of the effect of amino acid changes on protein structure and function yielded conflicting predictions that this variant is benign or damaging. Based on the available information, we are unable to determine the clinical significance of this variant.

GeneDx
Classification: Uncertain significance. Last evaluated: 2021-03-24. Review status: criteria provided, single submitter. Criteria: GeneDx Variant Classification Process June 2021. Collection method: clinical testing. Allele origin: germline. Affected: yes.
Comment: Not observed at a significant frequency in large population cohorts (Lek 2016); In silico analysis supports that this missense variant has a deleterious effect on protein structure/function; Also known as 2739A>C; Observed in individuals with a family history of breast or ovarian cancer (Anczukow 2008); This variant is associated with the following publications: (PMID: 18273839, 23893897, 25348012)

ARUP Laboratories, Molecular Genetics and Genomics, ARUP Laboratories
Classification: Uncertain significance. Last evaluated: 2019-10-22. Review status: criteria provided, single submitter. Criteria: ARUP Molecular Germline Variant Investigation Process. Collection method: clinical testing. Allele origin: germline.
Comment: The BRCA1 c.2620A>C; p.Asn874His variant (rs1064795862) is reported in the literature in a family with affected with breast and/or ovarian cancer, but its clinical significance was not determined (Anczukow 2008). This variant is found on a single chromosome in the Genome Aggregation Database (1/251142 alleles), indicating it is not a common polymorphism. The asparagine at codon 874 is weakly conserved, but computational analyses (SIFT, PolyPhen-2) predict that this variant is deleterious. However, due to limited information, the clinical significance of the p.Asn874His variant is uncertain at this time. References: Anczukow O et al. Unclassified variants identified in BRCA1 exon 11: Consequences on splicing. Genes Chromosomes Cancer. 2008 May;47(5):418-26.

Literature cited by the submitters: PubMed 18273839 (cited by 4 submitters); PubMed 26913838 (cited by Ambry Genetics and Quest Diagnostics Nichols Institute San Juan Capistrano); PubMed 33087888 (cited by Quest Diagnostics Nichols Institute San Juan Capistrano); PubMed 31853058 (cited by Quest Diagnostics Nichols Institute San Juan Capistrano); PubMed 32741062 (cited by Quest Diagnostics Nichols Institute San Juan Capistrano).